The following is an entry in ClinVar:

ClinVar aggregate classification (germline): Benign/Likely benign. Review status: criteria provided, multiple submitters, no conflicts (2 of 4 stars). 3 submissions from 3 submitters: Benign (1); Likely benign (2). Last evaluated 2024-09-20.

Conditions:
Hereditary cancer-predisposing syndrome. Also called: Tumor predisposition; Neoplastic Syndromes, Hereditary; Hereditary Cancer Syndrome; Hereditary neoplastic syndrome. Identifiers: Orphanet 140162, MedGen C0027672, MeSH D009386, MONDO:0015356.
Hereditary diffuse gastric adenocarcinoma (HDGC). Also called: DIFFUSE GASTRIC AND LOBULAR BREAST CANCER SYNDROME. Identifiers: Orphanet 26106, MedGen C1708349, MONDO:0007648, OMIM 137215.

Allele frequency attached by ClinVar (database versions not stated): gnomAD exomes below 0.00001.
gnomAD v4.1: 6 of 1,613,984 alleles (0.00037%); highest among the groups gnomAD compares: Non-Finnish European, 0.00051%; no homozygotes.

Submissions (3):

Myriad Genetics, Inc.
Classification: Benign for Hereditary diffuse gastric adenocarcinoma. Last evaluated: 2024-09-20. Review status: criteria provided, single submitter. Criteria: Myriad Autosomal Dominant, Autosomal Recessive and X-Linked Classification Criteria (2023). Collection method: clinical testing. Allele origin: unknown.
Comment: This variant is considered benign. This variant is a silent/synonymous amino acid change and it is not expected to impact splicing.

Labcorp Genetics (formerly Invitae), Labcorp
Classification: Likely benign for Hereditary diffuse gastric adenocarcinoma. Last evaluated: 2024-06-17. Review status: criteria provided, single submitter. Criteria: Invitae Variant Classification Sherloc (09022015). Collection method: clinical testing. Allele origin: germline.

Ambry Genetics
Classification: Likely benign for Hereditary cancer-predisposing syndrome. Last evaluated: 2015-11-26. Review status: criteria provided, single submitter. Criteria: Ambry Variant Classification Scheme 2023. Collection method: clinical testing. Allele origin: germline.

NM_004360.5(CDH1):c.2208G>A (p.Val736=)

Gene: CDH1 (cadherin 1; plus strand). Cytogenetic location: 16q22.1.
Variant type: single nucleotide variant.
Coding change: c.2208G>A on transcript NM_004360.5 (MANE Select); coding-DNA position 2208, G replaced by A.
Protein change: p.Val736=; no amino-acid change (valine 736 retained).
Molecular consequence: synonymous variant.
Genome position (GRCh38, 1-based): chr16:68,828,217, G>A. VCF-style: chr16-68828217-G-A. GRCh37 (hg19) VCF-style: chr16-68862120-G-A.
Other names: c.2208G>A (LRG_301t1); c.2025G>A, p.Val675= (NM_001317184.2); c.660G>A, p.Val220= (NM_001317185.2); c.243G>A, p.Val81= (NM_001317186.2).
Identifiers: ClinVar variation 414054 (VCV000414054.16), dbSNP rs745899007, ClinGen allele CA16614984.